The following is an entry in ClinVar:

NM_000834.5(GRIN2B):c.4101C>T (p.Pro1367=)

Gene: GRIN2B (glutamate ionotropic receptor NMDA type subunit 2B; minus strand). Cytogenetic location: 12p13.1.
Variant type: single nucleotide variant.
Coding change: c.4101C>T on transcript NM_000834.5 (MANE Select); coding-DNA position 4101, C replaced by T.
Protein change: p.Pro1367=; no amino-acid change (proline 1367 retained).
Molecular consequence: synonymous variant.
Genome position (GRCh38, 1-based): chr12:13,563,137, G>A on the plus strand (C>T on the coding strand, the complement: GRIN2B is on the minus strand). VCF-style: chr12-13563137-G-A. GRCh37 (hg19) VCF-style: chr12-13716071-G-A.
Identifiers: ClinVar variation 507914 (VCV000507914.18), dbSNP rs112932810, ClinGen allele CA6460787.
Genomic context (GRCh38, chr12:13,563,137, plus strand): 5'-GAAAGGGTTTTGCGTGACCCGGTCAGGGTAGAGCGACTTGCTGAGCATGTACCCGCCGCC[G>A]GGGTTGTTGTGGTGGTGATGTCCGGCAGTGGGCACTGAGGACTTGTTGTTGGCAAAGGTG-3'
Protein context (NP_000825.2, residues 1357-1377): PTAGHHHHNN[Pro1367=]GGGYMLSKSL

ClinVar aggregate classification (germline): Benign/Likely benign. Review status: criteria provided, multiple submitters, no conflicts (2 of 4 stars). 4 submissions from 4 submitters: Benign (2); Likely benign (1). 1 of the submissions does not count toward it. Last evaluated 2025-12-13.

Conditions:
GRIN2B-related disorder. Also called: GRIN2B-related condition.
Developmental and epileptic encephalopathy, 27 (DEE27). Also called: GRIN2B-Related Neurodevelopmental Disorder; Epileptic encephalopathy, early infantile, 27. Identifiers: Orphanet 3451, MedGen C4015316, MONDO:0014505, OMIM 616139.
Intellectual developmental disorder, autosomal dominant 6, with or without seizures. Also called: GRIN2B-related developmental delay, intellectual disability and autism spectrum disorder; Intellectual disability, autosomal dominant 6. Identifiers: Orphanet 589547, MedGen C3151411, MONDO:0013509, OMIM 613970.

Allele frequency attached by ClinVar (database versions not stated): gnomAD exomes 0.00005 and 0.00010; gnomAD 0.00043 and 0.00046; TOPMed 0.00044; ExAC 0.00015; 1000 Genomes Project 30x 0.00016; 1000 Genomes Project 0.00020; ESP Exome Variant Server 0.00054.
gnomAD v4.1: 151 of 1,614,200 alleles (0.0094%); highest among the groups gnomAD compares: African/African-American, 0.17%; 1 homozygote.

Submissions (4):

Labcorp Genetics (formerly Invitae), Labcorp
Classification: Benign for Developmental and epileptic encephalopathy, 27; Intellectual developmental disorder, autosomal dominant 6, with or without seizures. Last evaluated: 2025-12-13. Review status: criteria provided, single submitter. Criteria: Invitae Variant Classification Sherloc (09022015). Collection method: clinical testing. Allele origin: germline.

Blueprint Genetics
Classification: Likely benign. Last evaluated: 2024-09-02. Review status: criteria provided, single submitter. Criteria: ACMG Guidelines, 2015. Collection method: clinical testing. Allele origin: germline.

GeneDx
Classification: Benign. Last evaluated: 2019-10-15. Review status: criteria provided, single submitter. Criteria: GeneDx Variant Classification Process June 2021. Collection method: clinical testing. Allele origin: germline. Affected: yes.

PreventionGenetics, part of Exact Sciences
Classification: Likely benign for GRIN2B-related condition. Last evaluated: 2019-10-28. Review status: no assertion criteria provided. Collection method: clinical testing. Allele origin: germline. Not counted in ClinVar's aggregate classification.
Comment: This variant is classified as likely benign based on ACMG/AMP sequence variant interpretation guidelines (Richards et al. 2015 PMID: 25741868, with internal and published modifications).